The following is an entry in ClinVar:

ClinVar aggregate classification (germline): Uncertain significance (1 of 4 stars; one submission).

gnomAD v4.1: 1 of 1,597,978 alleles (0.000063%); highest among the groups gnomAD compares: Non-Finnish European, 0.000085%; no homozygotes.

Submission:

Labcorp Genetics (formerly Invitae), Labcorp
Classification: Uncertain significance. Last evaluated: 2025-10-18. Review status: criteria provided, single submitter. Criteria: Invitae Variant Classification Sherloc (09022015). Collection method: clinical testing. Allele origin: germline.
Comment: This sequence change replaces aspartic acid, which is acidic and polar, with glycine, which is neutral and non-polar, at codon 281 of the SLC7A13 protein (p.Asp281Gly). This variant is not present in population databases (gnomAD no frequency). This variant has not been reported in the literature in individuals affected with SLC7A13-related conditions. An algorithm developed to predict the effect of missense changes on protein structure and function (PolyPhen-2) suggests that this variant is likely to be disruptive. In summary, the available evidence is currently insufficient to determine the role of this variant in disease. Therefore, it has been classified as a Variant of Uncertain Significance.

NM_138817.3(SLC7A13):c.842A>G (p.Asp281Gly)

Gene: SLC7A13 (solute carrier family 7 member 13; minus strand). Cytogenetic location: 8q21.3.
Variant type: single nucleotide variant.
Coding change: c.842A>G on transcript NM_138817.3 (MANE Select); coding-DNA position 842, A replaced by G.
Protein change: p.Asp281Gly; replaces aspartic acid 281 with glycine.
Molecular consequence: missense variant.
Genome position (GRCh38, 1-based): chr8:86,217,807, T>C on the plus strand (A>G on the coding strand, the complement: SLC7A13 is on the minus strand). VCF-style: chr8-86217807-T-C. GRCh37 (hg19) VCF-style: chr8-87230036-T-C.
Other names: short protein forms D281G.
Identifiers: ClinVar variation 4766819 (VCV004766819.1).